The following is an entry in ClinVar:

NM_003482.4(KMT2D):c.15787G>C (p.Val5263Leu)

Gene: KMT2D (lysine methyltransferase 2D; minus strand). Cytogenetic location: 12q13.12.
Variant type: single nucleotide variant.
Coding change: c.15787G>C on transcript NM_003482.4 (MANE Select); coding-DNA position 15787, G replaced by C.
Protein change: p.Val5263Leu; replaces valine 5263 with leucine.
Molecular consequence: missense variant.
Genome position (GRCh38, 1-based): chr12:49,024,944, C>G on the plus strand (G>C on the coding strand, the complement: KMT2D is on the minus strand). VCF-style: chr12-49024944-C-G. GRCh37 (hg19) VCF-style: chr12-49418727-C-G.
Other names: short protein forms V5263L.
Identifiers: ClinVar variation 3633286 (VCV003633286.2).

ClinVar aggregate classification (germline): Uncertain significance (1 of 4 stars; one submission).

Conditions:
Kabuki syndrome. Also called: Kabuki make-up syndrome; NIIKAWA-KUROKI SYNDROME. Identifiers: Orphanet 2322, MedGen C0796004, MONDO:0016512.

Submission:

Labcorp Genetics (formerly Invitae), Labcorp
Classification: Uncertain significance for Kabuki syndrome. Last evaluated: 2024-02-13. Review status: criteria provided, single submitter. Criteria: Invitae Variant Classification Sherloc (09022015). Collection method: clinical testing. Allele origin: germline.
Comment: This sequence change replaces valine, which is neutral and non-polar, with leucine, which is neutral and non-polar, at codon 5263 of the KMT2D protein (p.Val5263Leu). This variant is not present in population databases (gnomAD no frequency). This variant has not been reported in the literature in individuals affected with KMT2D-related conditions. Experimental studies and prediction algorithms are not available or were not evaluated, and the functional significance of this variant is currently unknown. In summary, the available evidence is currently insufficient to determine the role of this variant in disease. Therefore, it has been classified as a Variant of Uncertain Significance.